The following is an entry in ClinVar:

ClinVar aggregate classification (germline): Uncertain significance. Review status: criteria provided, multiple submitters, no conflicts (2 of 4 stars). 2 submissions from 2 submitters: Uncertain significance (2). Last evaluated 2024-03-18.

Submissions (2):

Women's Health and Genetics/Laboratory Corporation of America, LabCorp
Classification: Uncertain significance. Last evaluated: 2024-03-18. Review status: criteria provided, single submitter. Criteria: LabCorp Variant Classification Summary - May 2015. Collection method: clinical testing. Allele origin: germline.
Comment: Variant summary: KMT2C c.231_236delAGAAAC (p.Glu78_Thr79del) results in an in-frame deletion that is predicted to remove 2 amino acids from the encoded protein. The variant allele was found at a frequency of 4e-06 in 250678 control chromosomes (gnomAD). The available data on variant occurrences in the general population are insufficient to allow any conclusion about variant significance. To our knowledge, no occurrence of c.231_236delAGAAAC in individuals affected with Kleefstra Syndrome 2 and no experimental evidence demonstrating its impact on protein function have been reported. ClinVar contains an entry for this variant (Variation ID: 2878698). Based on the evidence outlined above, the variant was classified as uncertain significance.

Labcorp Genetics (formerly Invitae), Labcorp
Classification: Uncertain significance. Last evaluated: 2023-06-04. Review status: criteria provided, single submitter. Criteria: Invitae Variant Classification Sherloc (09022015). Collection method: clinical testing. Allele origin: germline.
Comment: In summary, the available evidence is currently insufficient to determine the role of this variant in disease. Therefore, it has been classified as a Variant of Uncertain Significance. Experimental studies and prediction algorithms are not available or were not evaluated, and the functional significance of this variant is currently unknown. This variant has not been reported in the literature in individuals affected with KMT2C-related conditions. This variant is present in population databases (rs760869712, gnomAD 0.007%). This variant, c.231_236del, results in the deletion of 2 amino acid(s) of the KMT2C protein (p.Glu78_Thr79del), but otherwise preserves the integrity of the reading frame.

NM_170606.3(KMT2C):c.225AGAAAC[1] (p.76ET[1])

Gene: KMT2C (lysine methyltransferase 2C; minus strand). Cytogenetic location: 7q36.1.
Variant type: Microsatellite.
Coding change: c.225AGAAAC[1] on transcript NM_170606.3 (MANE Select); one copy of the 6-base unit AGAAAC starting at c.225; the reference has two copies in a row; one copy, 6 bases deleted.
Protein change: p.76ET[1].
Molecular consequence: inframe deletion.
Genome position (GRCh38, 1-based): chr7:152,358,601-152,358,606, GTTTCT deleted on the plus strand (AGAAAC on the coding strand, the reverse complement: KMT2C is on the minus strand); deleting any 6 consecutive bases within chr7:152,358,601-152,358,615 gives the same sequence; the position shown is the placement nearest the transcript's 3' end. VCF-style (leftmost placement, unchanged base first): chr7-152358600-CGTTTCT-C. GRCh37 (hg19) VCF-style: chr7-152055685-CGTTTCT-C.
Other names: c.231_236delAGAAAC (NM_170606.3).
Identifiers: ClinVar variation 2878698 (VCV002878698.5), dbSNP rs760869712, ClinGen allele CA4581797.